The following is an entry in ClinVar:

ClinVar aggregate classification (germline): Uncertain significance (1 of 4 stars; one submission).

Conditions:
Hereditary cancer-predisposing syndrome. Also called: Neoplastic Syndromes, Hereditary; Tumor predisposition; Hereditary Cancer Syndrome; Hereditary neoplastic syndrome. Identifiers: Orphanet 140162, MedGen C0027672, MeSH D009386, MONDO:0015356.

Submission:

Ambry Genetics
Classification: Uncertain significance for Hereditary cancer-predisposing syndrome. Last evaluated: 2025-10-11. Review status: criteria provided, single submitter. Criteria: Ambry Variant Classification Scheme 2023. Collection method: clinical testing. Allele origin: germline.
Comment: The p.N338H variant (also known as c.1012A>C), located in coding exon 9 of the EGFR gene, results from an A to C substitution at nucleotide position 1012. The asparagine at codon 338 is replaced by histidine, an amino acid with similar properties. This amino acid position is conserved. In addition, this alteration is predicted to be tolerated by in silico analysis. Based on the available evidence, the clinical significance of this variant remains unclear.

NM_005228.5(EGFR):c.1012A>C (p.Asn338His)

Genes: EGFR (epidermal growth factor receptor; plus strand), LOC126860048 (P300/CBP strongly-dependent group 1 enhancer GRCh37_chr7:55223847-55225046; plus strand). Cytogenetic location: 7p11.2.
Variant type: single nucleotide variant.
Coding change: c.1012A>C on transcript NM_005228.5 (MANE Select); coding-DNA position 1012, A replaced by C.
Protein change: p.Asn338His; replaces asparagine 338 with histidine.
Molecular consequence: missense variant.
Genome position (GRCh38, 1-based): chr7:55,156,538, A>C. VCF-style: chr7-55156538-A-C. GRCh37 (hg19) VCF-style: chr7-55224231-A-C.
Other names: c.877A>C, p.Asn293His (NM_001346897.2, NM_001346899.2); c.1012A>C, p.Asn338His (NM_001346898.2, NM_201282.2, NM_201283.2 and 1 more transcripts); c.853A>C, p.Asn285His (NM_001346900.2); c.211A>C, p.Asn71His (NM_001346941.2); short protein forms N285H, N293H, N71H, N338H.
Identifiers: ClinVar variation 4638856 (VCV004638856.1).